The following is an entry in ClinVar:

NM_138554.5(TLR4):c.1959G>A (p.Lys653=)

Gene: TLR4 (toll like receptor 4; plus strand). Cytogenetic location: 9q33.1.
Variant type: single nucleotide variant.
Coding change: c.1959G>A on transcript NM_138554.5 (MANE Select); coding-DNA position 1959, G replaced by A.
Protein change: p.Lys653=; no amino-acid change (lysine 653 retained).
Molecular consequence: synonymous variant.
Genome position (GRCh38, 1-based): chr9:117,714,087, G>A. VCF-style: chr9-117714087-G-A. GRCh37 (hg19) VCF-style: chr9-120476365-G-A.
Other names: c.1839G>A, p.Lys613= (NM_003266.4); c.1359G>A, p.Lys453= (NM_138557.3).
Identifiers: ClinVar variation 786820 (VCV000786820.26), dbSNP rs5030721, ClinGen allele CA5212448.
Genomic context (GRCh38, chr9:117,714,087, plus strand): 5'-CATTGGTGTGTCGGTCCTCAGTGTGCTTGTAGTATCTGTTGTAGCAGTTCTGGTCTATAA[G>A]TTCTATTTTCACCTGATGCTTCTTGCTGGCTGCATAAAGTATGGTAGAGGTGAAAACATC-3'
Protein context (NP_612564.1, residues 643-663): VVSVVAVLVY[Lys653=]FYFHLMLLAG

ClinVar aggregate classification (germline): Benign. Review status: criteria provided, multiple submitters, no conflicts (2 of 4 stars). 3 submissions from 3 submitters: Benign (3). Last evaluated 2026-09-01.

Allele frequency attached by ClinVar (database versions not stated): gnomAD 0.00835 and 0.00836; gnomAD exomes 0.00896 and 0.01129; ExAC 0.00917; 1000 Genomes Project 0.00479; 1000 Genomes Project 30x 0.00484; TOPMed 0.00624; ESP Exome Variant Server 0.00823.
gnomAD v4.1: 17,664 of 1,614,034 alleles (1.1%); highest among the groups gnomAD compares: South Asian, 1.3%; 117 homozygotes.

Submissions (3):

CeGaT Center for Human Genetics Tuebingen
Classification: Benign. Last evaluated: 2026-09-01. Review status: criteria provided, single submitter. Criteria: CeGaT Center For Human Genetics Tuebingen Variant Classification Criteria Version 2. Collection method: clinical testing. Allele origin: germline. Affected: yes. Observed: 10 variant alleles.
Comment: TLR4: BP4, BP7, BS1, BS2

Labcorp Genetics (formerly Invitae), Labcorp
Classification: Benign. Last evaluated: 2018-08-21. Review status: criteria provided, single submitter. Criteria: Invitae Variant Classification Sherloc (09022015). Collection method: clinical testing. Allele origin: germline.

Breakthrough Genomics
Classification: Benign. Review status: criteria provided, single submitter. Criteria: ACMG Guidelines, 2015. Collection method: not provided. Allele origin: germline. Inheritance: Unknown mechanism. Affected: yes.